The following is an entry in ClinVar:

NM_183050.4(BCKDHB):c.98G>A (p.Arg33Gln)

Gene: BCKDHB (branched chain keto acid dehydrogenase E1 subunit beta; plus strand). Cytogenetic location: 6q14.1.
Variant type: single nucleotide variant.
Coding change: c.98G>A on transcript NM_183050.4 (MANE Select); coding-DNA position 98, G replaced by A.
Protein change: p.Arg33Gln; replaces arginine 33 with glutamine.
Molecular consequence: missense variant. On other transcripts: non-coding transcript variant (1), intron variant (1).
Genome position (GRCh38, 1-based): chr6:80,106,791, G>A. VCF-style: chr6-80106791-G-A. GRCh37 (hg19) VCF-style: chr6-80816508-G-A.
Other names: c.98G>A, p.Arg33Gln (NM_000056.5); c.-15+108G>A (NM_001318975.1); short protein forms R33Q.
Identifiers: ClinVar variation 1951695 (VCV001951695.4), dbSNP rs766811326, ClinGen allele CA3902498.

ClinVar aggregate classification (germline): Uncertain significance (1 of 4 stars; one submission).

Conditions:
Maple syrup urine disease (MSUD). Identifiers: Orphanet 511, MedGen C0024776, MeSH D008375, MONDO:0009563. Disease mechanism: loss of function.

Allele frequency attached by ClinVar (database versions not stated): gnomAD exomes 0.00001; TOPMed 0.00002; ExAC 0.00003.
gnomAD v4.1: 4 of 1,600,292 alleles (0.00025%); highest among the groups gnomAD compares: Admixed American, 0.0068%; no homozygotes.

Submission:

Labcorp Genetics (formerly Invitae), Labcorp
Classification: Uncertain significance for Maple syrup urine disease. Last evaluated: 2024-06-03. Review status: criteria provided, single submitter. Criteria: Invitae Variant Classification Sherloc (09022015). Collection method: clinical testing. Allele origin: germline.
Comment: This sequence change replaces arginine, which is basic and polar, with glutamine, which is neutral and polar, at codon 33 of the BCKDHB protein (p.Arg33Gln). This variant is present in population databases (rs766811326, gnomAD 0.01%). This variant has not been reported in the literature in individuals affected with BCKDHB-related conditions. ClinVar contains an entry for this variant (Variation ID: 1951695). Algorithms developed to predict the effect of missense changes on protein structure and function output the following: SIFT: "Not Available"; PolyPhen-2: "Benign"; Align-GVGD: "Not Available". The glutamine amino acid residue is found in multiple mammalian species, which suggests that this missense change does not adversely affect protein function. In summary, the available evidence is currently insufficient to determine the role of this variant in disease. Therefore, it has been classified as a Variant of Uncertain Significance.